The following is an entry in ClinVar:

ClinVar aggregate classification (germline): Uncertain significance (1 of 4 stars; one submission).

Submission:

GeneDx
Classification: Uncertain significance. Last evaluated: 2024-10-10. Review status: criteria provided, single submitter. Criteria: GeneDx Variant Classification Process June 2021. Collection method: clinical testing. Allele origin: germline. Affected: yes.
Comment: In-frame deletion of 2 of amino acids in a repetitive region with no known function; Has not been previously published as pathogenic or benign to our knowledge

NM_001042603.3(KDM5A):c.3291AGAAAA[2] (p.1098EK[2])

Gene: KDM5A (lysine demethylase 5A; minus strand). Cytogenetic location: 12p13.33.
Variant type: Microsatellite.
Coding change: c.3291AGAAAA[2] on transcript NM_001042603.3 (MANE Select); two copies in a row of the 6-base unit AGAAAA starting at c.3291; the reference has three copies in a row; one copy, 6 bases deleted.
Protein change: p.1098EK[2].
Molecular consequence: inframe deletion.
Genome position (GRCh38, 1-based): chr12:309,873-309,878, TTTTCT deleted on the plus strand (AGAAAA on the coding strand, the reverse complement: KDM5A is on the minus strand); deleting any 6 consecutive bases within chr12:309,873-309,890 gives the same sequence; the position shown is the placement nearest the transcript's 3' end. VCF-style (leftmost placement, unchanged base first): chr12-309872-CTTTTCT-C. GRCh37 (hg19) VCF-style: chr12-419038-CTTTTCT-C.
Identifiers: ClinVar variation 3781088 (VCV003781088.1).